The following is an entry in ClinVar:

ClinVar aggregate classification (germline): Uncertain significance (1 of 4 stars; one submission).

Conditions:
Developmental and epileptic encephalopathy, 53. Also called: Epileptic encephalopathy, early infantile, 53. Identifiers: MedGen C4479313, MONDO:0033362, OMIM 617389.
Early-onset Parkinson disease 20. Also called: PARKINSON DISEASE 20, AUTOSOMAL RECESSIVE EARLY-ONSET. Identifiers: Orphanet 391411, MedGen C3809824, MONDO:0014233, OMIM 615530.

Submission:

Labcorp Genetics (formerly Invitae), Labcorp
Classification: Uncertain significance for Developmental and epileptic encephalopathy, 53; Early-onset Parkinson disease 20. Last evaluated: 2022-02-08. Review status: criteria provided, single submitter. Criteria: Invitae Variant Classification Sherloc (09022015). Collection method: clinical testing. Allele origin: germline.
Comment: This sequence change replaces asparagine, which is neutral and polar, with isoleucine, which is neutral and non-polar, at codon 1427 of the SYNJ1 protein (p.Asn1427Ile). This variant is not present in population databases (gnomAD no frequency). This variant has not been reported in the literature in individuals affected with SYNJ1-related conditions. Algorithms developed to predict the effect of missense changes on protein structure and function (SIFT, PolyPhen-2, Align-GVGD) all suggest that this variant is likely to be tolerated. In summary, the available evidence is currently insufficient to determine the role of this variant in disease. Therefore, it has been classified as a Variant of Uncertain Significance.

NM_203446.3(SYNJ1):c.*251A>T

Gene: SYNJ1 (synaptojanin 1; minus strand). Cytogenetic location: 21q22.11.
Variant type: single nucleotide variant.
Coding change: c.*251A>T on transcript NM_203446.3 (MANE Select); 251 bases downstream of the stop codon, A replaced by T.
Molecular consequence: 3 prime UTR variant. On other transcripts: missense variant (2).
Genome position (GRCh38, 1-based): chr21:32,631,554, T>A on the plus strand (A>T on the coding strand, the complement: SYNJ1 is on the minus strand). VCF-style: chr21-32631554-T-A. GRCh37 (hg19) VCF-style: chr21-34003864-T-A.
Other names: c.*251A>T (NM_001160302.2); c.4022A>T, p.Asn1341Ile (NM_001160306.2); c.4280A>T, p.Asn1427Ile (NM_003895.4); short protein forms N1427I, N1341I.
Identifiers: ClinVar variation 1409999 (VCV001409999.8), dbSNP rs2145658543, ClinGen allele CA410082304.